The following is an entry in ClinVar:

NM_015629.4(PRPF31):c.420+1G>A

Genes: PRPF31 (pre-mRNA processing factor 31; plus strand), PRPF31-AS1 (PRPF31 antisense RNA 1; minus strand). Cytogenetic location: 19q13.42.
Variant type: single nucleotide variant.
Coding change: c.420+1G>A on transcript NM_015629.4 (MANE Select); the canonical splice donor site of the intron after coding-DNA position 420, G replaced by A.
Molecular consequence: splice donor variant. On other transcripts: non-coding transcript variant (1).
Genome position (GRCh38, 1-based): chr19:54,122,595, G>A. VCF-style: chr19-54122595-G-A. GRCh37 (hg19) VCF-style: chr19-54625974-G-A.
Identifiers: ClinVar variation 3382366 (VCV003382366.3).

ClinVar aggregate classification (germline): Pathogenic. Review status: criteria provided, multiple submitters, no conflicts (2 of 4 stars). 2 submissions from 2 submitters: Pathogenic (2). Last evaluated 2021-11-11.

Conditions:
PRPF31-related disorder. Also called: PRPF31-related condition.
Retinitis pigmentosa 11 (RP11). Identifiers: Orphanet 791, MedGen C1838601, MONDO:0010828, OMIM 600138.

Submissions (2):

Blueprint Genetics
Classification: Pathogenic for PRPF31-related disorders. Last evaluated: 2021-11-11. Review status: criteria provided, single submitter. Criteria: ACMG Guidelines, 2015. Collection method: clinical testing. Allele origin: germline. Affected: yes. Observed: 1 variant allele.

Juno Genomics, Hangzhou Juno Genomics, Inc
Classification: Pathogenic for Retinitis pigmentosa 11. Review status: criteria provided, single submitter. Criteria: ACMG Guidelines, 2015. Collection method: clinical testing. Allele origin: germline. Affected: yes.
Comment: Absent from controls (or at extremely low frequency if recessive) in Genome Aggregation Database, Exome Sequencing Project, 1000 Genomes Project, or Exome Aggregation Consortium.;Null variant in a gene where loss of function (LOF) is a known mechanism of disease.;Patient's phenotype or family history is highly specific for a disease with a single genetic etiology.